The following is an entry in ClinVar:

NM_000834.5(GRIN2B):c.513C>T (p.Ile171=)

Gene: GRIN2B (glutamate ionotropic receptor NMDA type subunit 2B; minus strand). Cytogenetic location: 12p13.1.
Variant type: single nucleotide variant.
Coding change: c.513C>T on transcript NM_000834.5 (MANE Select); coding-DNA position 513, C replaced by T.
Protein change: p.Ile171=; no amino-acid change (isoleucine 171 retained).
Molecular consequence: synonymous variant.
Genome position (GRCh38, 1-based): chr12:13,753,814, G>A on the plus strand (C>T on the coding strand, the complement: GRIN2B is on the minus strand). VCF-style: chr12-13753814-G-A. GRCh37 (hg19) VCF-style: chr12-13906748-G-A.
Identifiers: ClinVar variation 380422 (VCV000380422.43), dbSNP rs3026183, ClinGen allele CA6461391.

ClinVar aggregate classification (germline): Benign/Likely benign. Review status: criteria provided, multiple submitters, no conflicts (2 of 4 stars). 6 submissions from 6 submitters: Benign (1); Likely benign (5). Last evaluated 2026-07-01.

Conditions:
Inborn genetic diseases. Identifiers: MedGen C0950123, MeSH D030342.
Intellectual developmental disorder, autosomal dominant 6, with or without seizures. Also called: Intellectual disability, autosomal dominant 6; GRIN2B-related developmental delay, intellectual disability and autism spectrum disorder. Identifiers: Orphanet 589547, MedGen C3151411, MONDO:0013509, OMIM 613970.
Developmental and epileptic encephalopathy, 27 (DEE27). Also called: GRIN2B-Related Neurodevelopmental Disorder; Epileptic encephalopathy, early infantile, 27. Identifiers: Orphanet 3451, MedGen C4015316, MONDO:0014505, OMIM 616139.

Allele frequency attached by ClinVar (database versions not stated): ESP Exome Variant Server 0.00008; gnomAD 0.00008 and 0.00009; gnomAD exomes 0.00018; ExAC 0.00018; TOPMed 0.00009.
gnomAD v4.1: 180 of 1,613,440 alleles (0.011%); highest among the groups gnomAD compares: Middle Eastern, 0.2%; no homozygotes.

Submissions (6):

CeGaT Center for Human Genetics Tuebingen
Classification: Likely benign. Last evaluated: 2026-07-01. Review status: criteria provided, single submitter. Criteria: CeGaT Center For Human Genetics Tuebingen Variant Classification Criteria Version 2. Collection method: clinical testing. Allele origin: germline. Affected: yes. Observed: 3 variant alleles.
Comment: GRIN2B: BP4, BP7

Labcorp Genetics (formerly Invitae), Labcorp
Classification: Likely benign for Developmental and epileptic encephalopathy, 27; Intellectual developmental disorder, autosomal dominant 6, with or without seizures. Last evaluated: 2026-01-11. Review status: criteria provided, single submitter. Criteria: Invitae Variant Classification Sherloc (09022015). Collection method: clinical testing. Allele origin: germline.

Blueprint Genetics
Classification: Likely benign. Last evaluated: 2024-10-02. Review status: criteria provided, single submitter. Criteria: ACMG Guidelines, 2015. Collection method: clinical testing. Allele origin: germline.

GeneDx
Classification: Benign. Last evaluated: 2020-09-08. Review status: criteria provided, single submitter. Criteria: GeneDx Variant Classification Process June 2021. Collection method: clinical testing. Allele origin: germline. Affected: yes.

Ambry Genetics
Classification: Likely benign for Inborn genetic diseases. Last evaluated: 2016-08-23. Review status: criteria provided, single submitter. Criteria: Ambry Variant Classification Scheme 2023. Collection method: clinical testing. Allele origin: germline.

Breakthrough Genomics
Classification: Likely benign. Review status: criteria provided, single submitter. Criteria: ACMG Guidelines, 2015. Collection method: not provided. Allele origin: germline. Inheritance: Autosomal dominant inheritance. Affected: yes.